The following is an entry in ClinVar:

ClinVar aggregate classification (germline): Uncertain significance. Review status: criteria provided, multiple submitters, no conflicts (2 of 4 stars). 2 submissions from 2 submitters: Uncertain significance (2). Last evaluated 2025-11-02.

Conditions:
Age related macular degeneration 1 (ARMD1). Also called: MACULOPATHY, AGE-RELATED, 1. Identifiers: MedGen C1864205, MONDO:0011285, OMIM 603075.

Allele frequency attached by ClinVar (database versions not stated): TOPMed 0.00001; ESP Exome Variant Server 0.00008; ExAC 0.00002; gnomAD exomes 0.00004.
gnomAD v4.1: 76 of 1,613,850 alleles (0.0047%); highest among the groups gnomAD compares: Non-Finnish European, 0.0061%; no homozygotes.

Submissions (2):

Labcorp Genetics (formerly Invitae), Labcorp
Classification: Uncertain significance. Last evaluated: 2025-11-02. Review status: criteria provided, single submitter. Criteria: Invitae Variant Classification Sherloc (09022015). Collection method: clinical testing. Allele origin: germline.
Comment: This sequence change replaces serine, which is neutral and polar, with phenylalanine, which is neutral and non-polar, at codon 1082 of the HMCN1 protein (p.Ser1082Phe). This variant is present in population databases (rs369263478, gnomAD 0.007%). This variant has not been reported in the literature in individuals affected with HMCN1-related conditions. ClinVar contains an entry for this variant (Variation ID: 874577). An algorithm developed to predict the effect of missense changes on protein structure and function (PolyPhen-2) suggests that this variant is likely to be disruptive. In summary, the available evidence is currently insufficient to determine the role of this variant in disease. Therefore, it has been classified as a Variant of Uncertain Significance.

Illumina Laboratory Services, Illumina
Classification: Uncertain significance for Age related macular degeneration 1. Last evaluated: 2018-01-13. Review status: criteria provided, single submitter. Criteria: ICSL Variant Classification Criteria 13 December 2019. Collection method: clinical testing. Allele origin: germline.

NM_031935.3(HMCN1):c.3245C>T (p.Ser1082Phe)

Gene: HMCN1 (hemicentin 1; plus strand). Cytogenetic location: 1q31.1.
Variant type: single nucleotide variant.
Coding change: c.3245C>T on transcript NM_031935.3 (MANE Select); coding-DNA position 3245, C replaced by T.
Protein change: p.Ser1082Phe; replaces serine 1082 with phenylalanine.
Molecular consequence: missense variant.
Genome position (GRCh38, 1-based): chr1:185,990,311, C>T. VCF-style: chr1-185990311-C-T. GRCh37 (hg19) VCF-style: chr1-185959443-C-T.
Other names: short protein forms S1082F.
Identifiers: ClinVar variation 874577 (VCV000874577.7), dbSNP rs369263478, ClinGen allele CA1291660.
Genomic context (GRCh38, chr1:185,990,311, plus strand): 5'-TTCCAAAACATGTGTTTATTTTAGTAAGGCCCAGAGTGTTTGGAGATCAACGAGGACTGT[C>T]CCAGGATAAGCCTGTTGAGATCTCCGTCCTTGCAGGGGAAGAGGTAACACTTCCATGTGA-3'
Protein context (NP_114141.2, residues 1072-1092): PRVFGDQRGL[Ser1082Phe]QDKPVEISVL